The following is an entry in ClinVar:

NM_022089.4(ATP13A2):c.781C>G (p.Leu261Val)

Gene: ATP13A2 (ATPase cation transporting 13A2; minus strand). Cytogenetic location: 1p36.13.
Variant type: single nucleotide variant.
Coding change: c.781C>G on transcript NM_022089.4 (MANE Select); coding-DNA position 781, C replaced by G.
Protein change: p.Leu261Val; replaces leucine 261 with valine.
Molecular consequence: missense variant.
Genome position (GRCh38, 1-based): chr1:17,000,459, G>C on the plus strand (C>G on the coding strand, the complement: ATP13A2 is on the minus strand). VCF-style: chr1-17000459-G-C. GRCh37 (hg19) VCF-style: chr1-17326954-G-C.
Other names: c.766C>G, p.Leu256Val (NM_001141973.3, NM_001141974.3); short protein forms L256V, L261V.
Identifiers: ClinVar variation 1760762 (VCV001760762.2), dbSNP rs2077312372, ClinGen allele CA338258512.

ClinVar aggregate classification (germline): Uncertain significance (1 of 4 stars; one submission).

Conditions:
Inborn genetic diseases. Identifiers: MedGen C0950123, MeSH D030342.

Submission:

Ambry Genetics
Classification: Uncertain significance for Inborn genetic diseases. Last evaluated: 2018-12-12. Review status: criteria provided, single submitter. Criteria: Ambry Variant Classification Scheme 2023. Collection method: clinical testing. Allele origin: germline.
Comment: The p.L261V variant (also known as c.781C>G), located in coding exon 9 of the ATP13A2 gene, results from a C to G substitution at nucleotide position 781. The leucine at codon 261 is replaced by valine, an amino acid with highly similar properties. This amino acid position is poorly conserved in available vertebrate species. In addition, this alteration is predicted to be tolerated by in silico analysis. Since supporting evidence is limited at this time, the clinical significance of this alteration remains unclear.